The following is an entry in ClinVar:

ClinVar aggregate classification (germline): Likely benign (1 of 4 stars; one submission).

Allele frequency attached by ClinVar (database versions not stated): TOPMed 0.00005; gnomAD 0.00013; 1000 Genomes Project 30x 0.00016; gnomAD exomes 0.00021.
gnomAD v4.1: 75 of 398,614 alleles (0.019%); highest among the groups gnomAD compares: South Asian, 0.53%; 1 homozygote.

Submission:

CeGaT Center for Human Genetics Tuebingen
Classification: Likely benign. Last evaluated: 2026-04-01. Review status: criteria provided, single submitter. Criteria: CeGaT Center For Human Genetics Tuebingen Variant Classification Criteria Version 2. Collection method: clinical testing. Allele origin: germline. Affected: yes. Observed: 10 variant alleles.
Comment: KCNQ1OT1: BS1

NM_000218.3(KCNQ1):c.1514+25084C>T

Genes: KCNQ1 (potassium voltage-gated channel subfamily Q member 1; plus strand), KCNQ1OT1 (KCNQ1 opposite strand/antisense transcript 1; minus strand). Cytogenetic location: 11p15.5.
Variant type: single nucleotide variant.
Coding change: c.1514+25084C>T on transcript NM_000218.3 (MANE Select); 25084 bases into the intron after coding-DNA position 1514, C replaced by T.
Molecular consequence: intron variant.
Genome position (GRCh38, 1-based): chr11:2,687,165, C>T. VCF-style: chr11-2687165-C-T. GRCh37 (hg19) VCF-style: chr11-2708395-C-T.
Other names: c.1244+25084C>T (NM_001406837.1); c.1418+25084C>T (NM_001406836.1); c.974+25084C>T (NM_001406838.1); c.1133+25084C>T (NM_181798.2).
Identifiers: ClinVar variation 1711310 (VCV001711310.30), dbSNP rs992719728, ClinGen allele CA216189613.
Genomic context (GRCh38, chr11:2,687,165, plus strand): 5'-CCTTGACACACAAACTGCACAGGGAGGGGAGGAATCTGAGCCAGCTTCCTCCACAAAGCA[C>T]AGAAGTCTGCCAAAAGCCCAGGCTGGATAGGGAGCATCACACTGTTGGGAAATGTGCAAT-3'